The following is an entry in ClinVar:

NM_001365951.3(KIF1B):c.4252C>T (p.Pro1418Ser)

Gene: KIF1B (kinesin family member 1B; plus strand). Cytogenetic location: 1p36.22.
Variant type: single nucleotide variant.
Coding change: c.4252C>T on transcript NM_001365951.3 (MANE Select); coding-DNA position 4252, C replaced by T.
Protein change: p.Pro1418Ser; replaces proline 1418 with serine.
Molecular consequence: missense variant.
Genome position (GRCh38, 1-based): chr1:10,361,773, C>T. VCF-style: chr1-10361773-C-T. GRCh37 (hg19) VCF-style: chr1-10421831-C-T.
Other names: c.4252C>T, p.Pro1418Ser (NM_001365952.1); c.4114C>T, p.Pro1372Ser (NM_015074.3); short protein forms P1372S, P1418S.
Identifiers: ClinVar variation 1737947 (VCV001737947.2), dbSNP rs2521886204, ClinGen allele CA338317617.

ClinVar aggregate classification (germline): Uncertain significance (1 of 4 stars; one submission).

Allele frequency attached by ClinVar (database versions not stated): gnomAD exomes below 0.00001.
gnomAD v4.1: 3 of 1,614,176 alleles (0.00019%); highest among the groups gnomAD compares: Non-Finnish European, 0.00025%; no homozygotes.

Submission:

Ambry Genetics
Classification: Uncertain significance. Last evaluated: 2022-03-04. Review status: criteria provided, single submitter. Criteria: Ambry Variant Classification Scheme 2023. Collection method: clinical testing. Allele origin: germline.
Comment: The p.P1372S variant (also known as c.4114C>T), located in coding exon 37 of the KIF1B gene, results from a C to T substitution at nucleotide position 4114. The proline at codon 1372 is replaced by serine, an amino acid with similar properties. This amino acid position is conserved. In addition, the in silico prediction for this alteration is inconclusive. Since supporting evidence is limited at this time, the clinical significance of this alteration remains unclear.